The following is an entry in ClinVar:

NM_020297.4(ABCC9):c.3708A>G (p.Ile1236Met)

Genes: ABCC9 (ATP binding cassette subfamily C member 9; minus strand), KCNJ8-AS1 (KCNJ8 antisense RNA 1; plus strand). Cytogenetic location: 12p12.1.
Variant type: single nucleotide variant.
Coding change: c.3708A>G on transcript NM_020297.4 (MANE Select); coding-DNA position 3708, A replaced by G.
Protein change: p.Ile1236Met; replaces isoleucine 1236 with methionine.
Molecular consequence: missense variant.
Genome position (GRCh38, 1-based): chr12:21,818,213, T>C on the plus strand (A>G on the coding strand, the complement: ABCC9 is on the minus strand). VCF-style: chr12-21818213-T-C. GRCh37 (hg19) VCF-style: chr12-21971147-T-C.
Other names: c.3708A>G, p.Ile1236Met (NM_001377273.1, NM_005691.4); c.2841A>G, p.Ile947Met (NM_001377274.1); short protein forms I1236M, I947M.
Identifiers: ClinVar variation 3624366 (VCV003624366.2).

ClinVar aggregate classification (germline): Uncertain significance (1 of 4 stars; one submission).

Conditions:
Dilated cardiomyopathy 1O (CMD1O). Also called: CARDIOMYOPATHY, DILATED, WITH VENTRICULAR TACHYCARDIA. Identifiers: Orphanet 154, MedGen C1837839, MONDO:0012062, OMIM 608569.

gnomAD v4.1: 3 of 1,613,994 alleles (0.00019%); highest among the groups gnomAD compares: Middle Eastern, 0.017%; no homozygotes.

Submission:

Labcorp Genetics (formerly Invitae), Labcorp
Classification: Uncertain significance for Dilated cardiomyopathy 1O. Last evaluated: 2024-04-06. Review status: criteria provided, single submitter. Criteria: Invitae Variant Classification Sherloc (09022015). Collection method: clinical testing. Allele origin: germline.
Comment: This sequence change replaces isoleucine, which is neutral and non-polar, with methionine, which is neutral and non-polar, at codon 1236 of the ABCC9 protein (p.Ile1236Met). This variant is not present in population databases (gnomAD no frequency). This variant has not been reported in the literature in individuals affected with ABCC9-related conditions. Advanced modeling of protein sequence and biophysical properties (such as structural, functional, and spatial information, amino acid conservation, physicochemical variation, residue mobility, and thermodynamic stability) performed at Invitae indicates that this missense variant is not expected to disrupt ABCC9 protein function with a negative predictive value of 95%. In summary, the available evidence is currently insufficient to determine the role of this variant in disease. Therefore, it has been classified as a Variant of Uncertain Significance.